The following is an entry in ClinVar:

NM_001199397.3(NEK1):c.89A>G (p.Tyr30Cys)

Gene: NEK1 (NIMA related kinase 1; minus strand). Cytogenetic location: 4q33.
Variant type: single nucleotide variant.
Coding change: c.89A>G on transcript NM_001199397.3 (MANE Select); coding-DNA position 89, A replaced by G.
Protein change: p.Tyr30Cys; replaces tyrosine 30 with cysteine.
Molecular consequence: missense variant. On other transcripts: non-coding transcript variant (2).
Genome position (GRCh38, 1-based): chr4:169,602,542, T>C on the plus strand (A>G on the coding strand, the complement: NEK1 is on the minus strand). VCF-style: chr4-169602542-T-C. GRCh37 (hg19) VCF-style: chr4-170523693-T-C.
Other names: c.89A>G, p.Tyr30Cys (NM_001199398.3, NM_001199399.3, NM_001199400.3 and 7 more transcripts); c.89A>G (NM_012224.2); short protein forms Y30C.
Identifiers: ClinVar variation 3025442 (VCV003025442.24), dbSNP rs200825809, ClinGen allele CA109926050.

ClinVar aggregate classification (germline): Uncertain significance. Review status: criteria provided, multiple submitters, no conflicts (2 of 4 stars). 4 submissions from 4 submitters: Uncertain significance (3). 1 of the submissions does not count toward it. Last evaluated 2025-12-14.

Conditions:
NEK1-related disorder. Also called: NEK1-related condition.
Short-rib thoracic dysplasia 6 with or without polydactyly (SRTD6). Also called: POLYDACTYLY WITH NEONATAL CHONDRODYSTROPHY, TYPE II; Majewski Syndrome; SHORT-RIB THORACIC DYSPLASIA 6 WITH POLYDACTYLY; SHORT-RIB THORACIC DYSPLASIA 6 WITHOUT POLYDACTYLY; SHORT RIB-POLYDACTYLY SYNDROME, TYPE IIA. Identifiers: MedGen C0024507, MONDO:0009894, OMIM 263520.

Allele frequency attached by ClinVar (database versions not stated): gnomAD 0.00001.
gnomAD v4.1: 17 of 1,599,860 alleles (0.0011%); highest among the groups gnomAD compares: Non-Finnish European, 0.0014%; no homozygotes.

Submissions (4):

Labcorp Genetics (formerly Invitae), Labcorp
Classification: Uncertain significance for Short-rib thoracic dysplasia 6 with or without polydactyly. Last evaluated: 2025-12-14. Review status: criteria provided, single submitter. Criteria: Invitae Variant Classification Sherloc (09022015). Collection method: clinical testing. Allele origin: germline.
Comment: This sequence change replaces tyrosine, which is neutral and polar, with cysteine, which is neutral and slightly polar, at codon 30 of the NEK1 protein (p.Tyr30Cys). This variant is present in population databases (no rsID available, gnomAD 0.003%). This variant has not been reported in the literature in individuals affected with NEK1-related conditions. ClinVar contains an entry for this variant (Variation ID: 3025442). Invitae Evidence Modeling of protein sequence and biophysical properties (such as structural, functional, and spatial information, amino acid conservation, physicochemical variation, residue mobility, and thermodynamic stability) indicates that this missense variant is expected to disrupt NEK1 protein function with a positive predictive value of 95%. In summary, the available evidence is currently insufficient to determine the role of this variant in disease. Therefore, it has been classified as a Variant of Uncertain Significance.

Blueprint Genetics
Classification: Uncertain significance. Last evaluated: 2024-04-09. Review status: criteria provided, single submitter. Criteria: ACMG Guidelines, 2015. Collection method: clinical testing. Allele origin: germline.

CeGaT Center for Human Genetics Tuebingen
Classification: Uncertain significance. Last evaluated: 2024-01-01. Review status: criteria provided, single submitter. Criteria: CeGaT Center For Human Genetics Tuebingen Variant Classification Criteria Version 2. Collection method: clinical testing. Allele origin: germline. Affected: yes. Observed: 1 variant allele.

PreventionGenetics, part of Exact Sciences
Classification: Uncertain significance for NEK1-related condition. Last evaluated: 2024-05-08. Review status: no assertion criteria provided. Collection method: clinical testing. Allele origin: germline. Not counted in ClinVar's aggregate classification.
Comment: The NEK1 c.89A>G variant is predicted to result in the amino acid substitution p.Tyr30Cys. This variant was reported de novo in an individual with autism spectrum disorder (proband B11, Table 2, Kim et al. 2020. PubMed ID: 33374967). This variant is reported in 0.0027% of alleles in individuals of European (Non-Finnish) descent in gnomAD. At this time, the clinical significance of this variant is uncertain due to the absence of conclusive functional and genetic evidence.